The following is an entry in ClinVar:

NM_002617.4(PEX10):c.157_158del (p.Ser53fs)

Gene: PEX10 (peroxisomal biogenesis factor 10; minus strand). Cytogenetic location: 1p36.32.
Variant type: Microsatellite.
Coding change: c.157_158del on transcript NM_002617.4 (MANE Select); coding-DNA positions 157 to 158, 2 bases deleted (TC; older notation c.157_158delTC).
Protein change: p.Ser53fs; shifts the reading frame from serine 53.
Molecular consequence: frameshift variant. On other transcripts: 5 prime UTR variant (2), non-coding transcript variant (1).
Genome position (GRCh38, 1-based): chr1:2,410,406-2,410,407, GA deleted on the plus strand (TC on the coding strand, the reverse complement: PEX10 is on the minus strand); deleting any 2 consecutive bases within chr1:2,410,406-2,410,410 gives the same sequence; the c. name uses the placement nearest the transcript's 3' end. VCF-style (leftmost placement, unchanged base first): chr1-2410405-TGA-T. GRCh37 (hg19) VCF-style: chr1-2341844-TGA-T.
Other names: c.157_158delTC (NM_153818.1); c.157_158del, p.Ser53fs (NM_001374425.1, NM_153818.2); c.-278TC[1] (NM_001374426.1, NM_001374427.1); short protein forms S53fs.
Identifiers: ClinVar variation 1074695 (VCV001074695.10), dbSNP rs1384671249, ClinGen allele CA520679823.

ClinVar aggregate classification (germline): Pathogenic/Likely pathogenic. Review status: criteria provided, multiple submitters, no conflicts (2 of 4 stars). 4 submissions from 4 submitters: Pathogenic (2); Likely pathogenic (2). Last evaluated 2026-07-22.

Conditions:
Zellweger spectrum disorders (ZS). Also called: Zellweger Spectrum Disorder; Zellweger Spectrum; Zellweger Spectrum Disorder (ZSD); Zellweger syndrome. Identifiers: Orphanet 912, MedGen C0043459, MONDO:0019609.
Peroxisome biogenesis disorder 6A (Zellweger). Also called: Peroxisome biogenesis disorder 6A. Identifiers: Orphanet 912, MedGen C3553947, MONDO:0013936, OMIM 614870.
Peroxisome biogenesis disorder, complementation group 7 (CG7). Also called: Peroxisome biogenesis disorder, complementation group B. Identifiers: MedGen C1864399.
Inborn genetic diseases. Identifiers: MedGen C0950123, MeSH D030342.

Submissions (4):

Ambry Genetics
Classification: Pathogenic for Inborn genetic diseases. Last evaluated: 2026-07-22. Review status: criteria provided, single submitter. Criteria: Ambry Variant Classification Scheme 2023. Collection method: clinical testing. Allele origin: germline.
Comment: The c.157_158delTC (p.S53Rfs*67) alteration, located in exon 2 (coding exon 2) of the PEX10 gene, consists of a deletion of 2 nucleotides from position 157 to 158, causing a translational frameshift with a predicted alternate stop codon after 67 amino acids. This alteration is expected to result in loss of function by premature protein truncation or nonsense-mediated mRNA decay. Based on data from gnomAD, the 157_158delTC allele has an overall frequency of <0.001% (1/251176) total alleles studied. The highest observed frequency was 0.001% (1/113532) of European (non-Finnish) alleles. Based on the available evidence, this alteration is classified as pathogenic.

Natera, Inc.
Classification: Likely pathogenic for Zellweger syndrome. Last evaluated: 2025-01-09. Review status: criteria provided, single submitter. Criteria: Natera Variant Classification Schema (03/2026). Collection method: clinical testing. Allele origin: germline.
Comment: The c.157_158delTC variant in PEX10 is a frameshift variant predicted to shift the reading frame beginning at codon 53 and leads to a stop codon 67 codons downstream. This variant is expected to result in nonsense mediated decay, truncation, or a dysfunctional protein product. This variant is rare in the general population with a frequency below the threshold expected for the associated phenotype(s). Given the available evidence, this variant is classified as Likely Pathogenic.

Baylor Genetics
Classification: Likely pathogenic for Peroxisome biogenesis disorder 6A (Zellweger). Last evaluated: 2023-10-22. Review status: criteria provided, single submitter. Criteria: ACMG Guidelines, 2015. Collection method: clinical testing. Allele origin: unknown.

Labcorp Genetics (formerly Invitae), Labcorp
Classification: Pathogenic for Peroxisome biogenesis disorder, complementation group 7. Last evaluated: 2022-08-22. Review status: criteria provided, single submitter. Criteria: Invitae Variant Classification Sherloc (09022015). Collection method: clinical testing. Allele origin: germline.
Comment: This variant is present in population databases (no rsID available, gnomAD 0.0009%). This variant has not been reported in the literature in individuals affected with PEX10-related conditions. For these reasons, this variant has been classified as Pathogenic. This sequence change creates a premature translational stop signal (p.Ser53Argfs*67) in the PEX10 gene. It is expected to result in an absent or disrupted protein product. Loss-of-function variants in PEX10 are known to be pathogenic (PMID: 9683594, 10862081, 21031596).

Literature cited by the submitters: PubMed 9683594 (cited by Labcorp Genetics (formerly Invitae), Labcorp); PubMed 10862081 (cited by Labcorp Genetics (formerly Invitae), Labcorp); PubMed 21031596 (cited by Labcorp Genetics (formerly Invitae), Labcorp).